The following is an entry in ClinVar:

NM_004974.4(KCNA2):c.1340G>T (p.Ser447Ile)

Gene: KCNA2 (potassium voltage-gated channel subfamily A member 2; minus strand). Cytogenetic location: 1p13.3.
Variant type: single nucleotide variant.
Coding change: c.1340G>T on transcript NM_004974.4 (MANE Select); coding-DNA position 1340, G replaced by T.
Protein change: p.Ser447Ile; replaces serine 447 with isoleucine.
Molecular consequence: missense variant. On other transcripts: intron variant (1).
Genome position (GRCh38, 1-based): chr1:110,603,443, C>A on the plus strand (G>T on the coding strand, the complement: KCNA2 is on the minus strand). VCF-style: chr1-110603443-C-A. GRCh37 (hg19) VCF-style: chr1-111146065-C-A.
Other names: c.894+446G>T (NM_001204269.2); short protein forms S447I.
Identifiers: ClinVar variation 2037618 (VCV002037618.4), dbSNP rs2524615235, ClinGen allele CA341600762.
Genomic context (GRCh38, chr1:110,603,443, plus strand): 5'-TTATTTACACCCTCCTGGATCTCCATGTAATCAGACTTACTAATGGTAGAGGCACTTCTA[C>A]TTTTCTTTAGGTCAGGGGAGGATGGGATCTTTGGACAGCTTGTCACTTGCAAGTATTGGG-3'
Protein context (NP_004965.1, residues 437-457): KIPSSPDLKK[Ser447Ile]RSASTISKSD

ClinVar aggregate classification (germline): Uncertain significance (1 of 4 stars; one submission).

Conditions:
Developmental and epileptic encephalopathy, 32 (DEE32). Also called: Epileptic encephalopathy, early infantile, 32. Identifiers: Orphanet 442835, MedGen C4225350, MONDO:0014607, OMIM 616366.

Submission:

Labcorp Genetics (formerly Invitae), Labcorp
Classification: Uncertain significance for Developmental and epileptic encephalopathy, 32. Last evaluated: 2022-07-26. Review status: criteria provided, single submitter. Criteria: Invitae Variant Classification Sherloc (09022015). Collection method: clinical testing. Allele origin: germline.
Comment: This variant has not been reported in the literature in individuals affected with KCNA2-related conditions. Advanced modeling of protein sequence and biophysical properties (such as structural, functional, and spatial information, amino acid conservation, physicochemical variation, residue mobility, and thermodynamic stability) performed at Invitae indicates that this missense variant is not expected to disrupt KCNA2 protein function. In summary, the available evidence is currently insufficient to determine the role of this variant in disease. Therefore, it has been classified as a Variant of Uncertain Significance. This variant is not present in population databases (gnomAD no frequency). This sequence change replaces serine, which is neutral and polar, with isoleucine, which is neutral and non-polar, at codon 447 of the KCNA2 protein (p.Ser447Ile).